The following is an entry in ClinVar:

ClinVar aggregate classification (germline): Uncertain significance (1 of 4 stars; one submission).

Allele frequency attached by ClinVar (database versions not stated): gnomAD exomes 0.00003; TOPMed 0.00004; gnomAD 0.00005; ExAC 0.00007; ESP Exome Variant Server 0.00008.
gnomAD v4.1: 50 of 1,611,854 alleles (0.0031%); highest among the groups gnomAD compares: Admixed American, 0.0067%; no homozygotes.

Submission:

Labcorp Genetics (formerly Invitae), Labcorp
Classification: Uncertain significance. Last evaluated: 2022-08-17. Review status: criteria provided, single submitter. Criteria: Invitae Variant Classification Sherloc (09022015). Collection method: clinical testing. Allele origin: germline.
Comment: This variant has not been reported in the literature in individuals affected with CLP1-related conditions. This variant is present in population databases (rs372647012, gnomAD 0.1%), and has an allele count higher than expected for a pathogenic variant. This sequence change replaces arginine, which is basic and polar, with glutamine, which is neutral and polar, at codon 219 of the CLP1 protein (p.Arg219Gln). Algorithms developed to predict the effect of missense changes on protein structure and function (SIFT, PolyPhen-2, Align-GVGD) all suggest that this variant is likely to be tolerated. In summary, the available evidence is currently insufficient to determine the role of this variant in disease. Therefore, it has been classified as a Variant of Uncertain Significance.

NM_006831.3(CLP1):c.656G>A (p.Arg219Gln)

Gene: CLP1 (cleavage factor polyribonucleotide kinase subunit 1; plus strand). Cytogenetic location: 11q12.1.
Variant type: single nucleotide variant.
Coding change: c.656G>A on transcript NM_006831.3 (MANE Select); coding-DNA position 656, G replaced by A.
Protein change: p.Arg219Gln; replaces arginine 219 with glutamine.
Molecular consequence: missense variant.
Genome position (GRCh38, 1-based): chr11:57,660,814, G>A. VCF-style: chr11-57660814-G-A. GRCh37 (hg19) VCF-style: chr11-57428286-G-A.
Other names: c.464G>A, p.Arg155Gln (NM_001142597.2); short protein forms R155Q, R219Q.
Identifiers: ClinVar variation 2072241 (VCV002072241.3), dbSNP rs372647012, ClinGen allele CA6008565.